The following is an entry in ClinVar:

NM_000520.6(HEXA):c.1291T>C (p.Trp431Arg)

Gene: HEXA (hexosaminidase subunit alpha; minus strand). Cytogenetic location: 15q23.
Variant type: single nucleotide variant.
Coding change: c.1291T>C on transcript NM_000520.6 (MANE Select); coding-DNA position 1291, T replaced by C.
Protein change: p.Trp431Arg; replaces tryptophan 431 with arginine.
Molecular consequence: missense variant.
Genome position (GRCh38, 1-based): chr15:72,346,566, A>G on the plus strand (T>C on the coding strand, the complement: HEXA is on the minus strand). VCF-style: chr15-72346566-A-G. GRCh37 (hg19) VCF-style: chr15-72638907-A-G.
Other names: c.1324T>C, p.Trp442Arg (NM_001318825.2); short protein forms W431R, W442R.
Identifiers: ClinVar variation 1723068 (VCV001723068.2), dbSNP rs2542514061, ClinGen allele CA393060565.

ClinVar aggregate classification (germline): Uncertain significance (1 of 4 stars; one submission).

Submission:

GeneDx
Classification: Uncertain significance. Last evaluated: 2022-05-06. Review status: criteria provided, single submitter. Criteria: GeneDx Variant Classification Process June 2021. Collection method: clinical testing. Allele origin: germline. Affected: yes.
Comment: Not observed at significant frequency in large population cohorts (gnomAD); In silico analysis supports that this missense variant has a deleterious effect on protein structure/function; Has not been previously published as pathogenic or benign to our knowledge